The following is an entry in ClinVar:

NM_015102.5(NPHP4):c.1162A>C (p.Met388Leu)

Gene: NPHP4 (nephrocystin 4; minus strand). Cytogenetic location: 1p36.31.
Variant type: single nucleotide variant.
Coding change: c.1162A>C on transcript NM_015102.5 (MANE Select); coding-DNA position 1162, A replaced by C.
Protein change: p.Met388Leu; replaces methionine 388 with leucine.
Molecular consequence: missense variant. On other transcripts: 5 prime UTR variant (2), non-coding transcript variant (1).
Genome position (GRCh38, 1-based): chr1:5,933,287, T>G on the plus strand (A>C on the coding strand, the complement: NPHP4 is on the minus strand). VCF-style: chr1-5933287-T-G. GRCh37 (hg19) VCF-style: chr1-5993347-T-G.
Other names: c.-205A>C (NM_001291593.2, NM_001291594.2); c.1162A>C (NM_015102.4, NM_015102.3); short protein forms M388L.
Identifiers: ClinVar variation 1929198 (VCV001929198.7), dbSNP rs773833775, ClinGen allele CA338061719.
Genomic context (GRCh38, chr1:5,933,287, plus strand): 5'-GCAGGGTCACCCTTCCAGAATCAGCTTCCAGCAAGGGGTTCCAAACAGCCCAGCGGACCA[T>G]GTGCATGCATGCCAGGTTGGACAGAGAGGTGACCGAAGCTGCCTAGAATTAAAACAAAGC-3'
Protein context (NP_055917.1, residues 378-398): TSLSNLACMH[Met388Leu]VRWAVWNPLL

ClinVar aggregate classification (germline): Uncertain significance. Review status: criteria provided, multiple submitters, no conflicts (2 of 4 stars). 3 submissions from 3 submitters: Uncertain significance (3). Last evaluated 2025-11-12.

Conditions:
NPHP4-related disorder. Also called: NPHP4-related disorders; NPHP4-related condition. Identifiers: MedGen CN239384.
Nephronophthisis. Also called: Juvenile Nephronophthisis. Identifiers: Orphanet 655, MedGen C0687120, MONDO:0019005, HP:0000090.
Inborn genetic diseases. Identifiers: MedGen C0950123, MeSH D030342.

gnomAD v4.1: 1 of 1,613,410 alleles (0.000062%); no homozygotes.

Submissions (3):

PreventionGenetics, part of Exact Sciences
Classification: Uncertain significance for NPHP4-related condition. Last evaluated: 2025-11-12. Review status: criteria provided, single submitter. Criteria: ACMG Guidelines, 2015. Collection method: clinical testing. Allele origin: germline.
Comment: The NPHP4 c.1162A>C variant is predicted to result in the amino acid substitution p.Met388Leu. To our knowledge, this variant has not been reported in the literature or in a large population database (gnomAD), indicating this variant is rare. At this time, the clinical significance of this variant is uncertain due to the absence of conclusive functional and genetic evidence.

Ambry Genetics
Classification: Uncertain significance for Inborn genetic diseases. Last evaluated: 2025-08-28. Review status: criteria provided, single submitter. Criteria: Ambry Variant Classification Scheme 2023. Collection method: clinical testing. Allele origin: germline.

Labcorp Genetics (formerly Invitae), Labcorp
Classification: Uncertain significance for Nephronophthisis. Last evaluated: 2022-07-12. Review status: criteria provided, single submitter. Criteria: Invitae Variant Classification Sherloc (09022015). Collection method: clinical testing. Allele origin: germline.
Comment: In summary, the available evidence is currently insufficient to determine the role of this variant in disease. Therefore, it has been classified as a Variant of Uncertain Significance. Algorithms developed to predict the effect of missense changes on protein structure and function output the following: SIFT: "Tolerated"; PolyPhen-2: "Benign"; Align-GVGD: "Class C0". The leucine amino acid residue is found in multiple mammalian species, which suggests that this missense change does not adversely affect protein function. This variant has not been reported in the literature in individuals affected with NPHP4-related conditions. This variant is not present in population databases (gnomAD no frequency). This sequence change replaces methionine, which is neutral and non-polar, with leucine, which is neutral and non-polar, at codon 388 of the NPHP4 protein (p.Met388Leu).